The following is an entry in ClinVar:

NM_018979.4(WNK1):c.258T>C (p.Cys86=)

Gene: WNK1 (WNK lysine deficient protein kinase 1; plus strand). Cytogenetic location: 12p13.33.
Variant type: single nucleotide variant.
Coding change: c.258T>C on transcript NM_018979.4 (MANE Select); coding-DNA position 258, T replaced by C.
Protein change: p.Cys86=; no amino-acid change (cysteine 86 retained).
Molecular consequence: synonymous variant.
Genome position (GRCh38, 1-based): chr12:753,823, T>C. VCF-style: chr12-753823-T-C. GRCh37 (hg19) VCF-style: chr12-862989-T-C.
Other names: p.Cys86=; c.258T>C, p.Cys86= (NM_001184985.2, NM_014823.3, NM_213655.5).
Identifiers: ClinVar variation 261069 (VCV000261069.31), dbSNP rs3168640, ClinGen allele CA6381747.
Genomic context (GRCh38, chr12:753,823, plus strand): 5'-TGGGGCGGCCGCGACCACTACCACCACTGAGCACCGCTTCTTCCGCCGGAGCGTCATCTG[T>C]GACTCCAATGCCACTGCACTGGAGCTTCCCGGCCTTCCTCTTTCCCTGCCCCAGCCCAGC-3'
Protein context (NP_061852.3, residues 76-96): EHRFFRRSVI[Cys86=]DSNATALELP

ClinVar aggregate classification (germline): Benign. Review status: criteria provided, multiple submitters, no conflicts (2 of 4 stars). 13 submissions from 13 submitters: Benign (10). 3 of the submissions do not count toward it. Last evaluated 2026-02-04.

Conditions:
Pseudohypoaldosteronism type 2C (PHA2C). Also called: Pseudohypoaldosteronism Type IIC. Identifiers: Orphanet 757, Orphanet 88940, MedGen C1840391, MONDO:0013778, OMIM 614492.
Neuropathy, hereditary sensory and autonomic, type 2A (HSAN2A). Also called: ACROOSTEOLYSIS, GIACCAI TYPE; ACROOSTEOLYSIS, NEUROGENIC; MORVAN DISEASE; NEUROPATHY, CONGENITAL SENSORY; NEUROPATHY, HEREDITARY SENSORY RADICULAR, AUTOSOMAL RECESSIVE; NEUROPATHY, HEREDITARY SENSORY, TYPE IIA. Identifiers: Orphanet 970, MedGen C2752089, MONDO:0024309, OMIM 201300.

Allele frequency attached by ClinVar (database versions not stated): ESP Exome Variant Server 0.97240; 1000 Genomes Project 30x 0.97361; TOPMed 0.97364; gnomAD 0.97485 and 0.97658; 1000 Genomes Project 0.97564; ExAC 0.99239; gnomAD exomes 0.99406 and 0.99774.
gnomAD v4.1: 1,605,723 of 1,612,660 alleles (100%); highest among the groups gnomAD compares: Non-Finnish European, 100%; 799,674 homozygotes.

Submissions (13):

Labcorp Genetics (formerly Invitae), Labcorp
Classification: Benign for Neuropathy, hereditary sensory and autonomic, type 2A; Pseudohypoaldosteronism type 2C. Last evaluated: 2026-02-04. Review status: criteria provided, single submitter. Criteria: Invitae Variant Classification Sherloc (09022015). Collection method: clinical testing. Allele origin: germline.

Blueprint Genetics
Classification: Benign. Last evaluated: 2024-11-27. Review status: criteria provided, single submitter. Criteria: ACMG Guidelines, 2015. Collection method: clinical testing. Allele origin: germline.

Mayo Clinic Laboratories, Mayo Clinic
Classification: Benign. Last evaluated: 2022-03-09. Review status: criteria provided, single submitter. Criteria: ACMG Guidelines, 2015. Collection method: clinical testing. Allele origin: germline. Observed: 2,308 variant alleles.

Genome-Nilou Lab
Classification: Benign for Neuropathy, hereditary sensory and autonomic, type 2A. Last evaluated: 2021-07-14. Review status: criteria provided, single submitter. Criteria: ACMG Guidelines, 2015. Collection method: clinical testing. Allele origin: germline. Affected: no.

Illumina Laboratory Services, Illumina
Classification: Benign for Pseudohypoaldosteronism type 2C. Last evaluated: 2018-01-13. Review status: criteria provided, single submitter. Criteria: ICSL Variant Classification Criteria 13 December 2019. Collection method: clinical testing. Allele origin: germline.
Comment: This variant was observed in the ICSL laboratory as part of a predisposition screen in an ostensibly healthy population. It had not been previously curated by ICSL or reported in the Human Gene Mutation Database (HGMD: prior to June 1st, 2018), and was therefore a candidate for classification through an automated scoring system. Utilizing variant allele frequency, disease prevalence and penetrance estimates, and inheritance mode, an automated score was calculated to assess if this variant is too frequent to cause the disease. Based on the score and internal cut-off values, a variant classified as benign is not then subjected to further curation. The score for this variant resulted in a classification of benign for this disease.

Athena Diagnostics
Classification: Benign for Neuropathy, hereditary sensory and autonomic, type 2A. Last evaluated: 2017-06-12. Review status: criteria provided, single submitter. Criteria: Athena Diagnostics Criteria. Collection method: clinical testing. Allele origin: germline.

Eurofins Ntd Llc (ga)
Classification: Benign. Last evaluated: 2016-05-02. Review status: criteria provided, single submitter. Criteria: EGL Classification Definitions 2015. Collection method: clinical testing. Allele origin: germline. Observed: 1 variant allele, 1 homozygote.

GeneDx
Classification: Benign. Last evaluated: 2015-03-03. Review status: criteria provided, single submitter. Criteria: GeneDx Variant Classification Process June 2021. Collection method: clinical testing. Allele origin: germline. Affected: yes.

Breakthrough Genomics
Classification: Benign. Review status: criteria provided, single submitter. Criteria: ACMG Guidelines, 2015. Collection method: not provided. Allele origin: germline. Inheritance: Autosomal recessive inheritance. Affected: yes.

PreventionGenetics, part of Exact Sciences
Classification: Benign. Review status: criteria provided, single submitter. Criteria: ACMG Guidelines, 2015. Collection method: clinical testing. Allele origin: germline.

Clinical Genetics, Academic Medical Center
Classification: Benign. Review status: no assertion criteria provided. Collection method: clinical testing. Allele origin: germline. Affected: yes. Study: VKGL Data-share Consensus. Not counted in ClinVar's aggregate classification.

Diagnostic Laboratory, Department of Genetics, University Medical Center Groningen
Classification: Benign. Review status: no assertion criteria provided. Collection method: clinical testing. Allele origin: germline. Affected: yes. Study: VKGL Data-share Consensus. Not counted in ClinVar's aggregate classification.

Joint Genome Diagnostic Labs from Nijmegen and Maastricht, Radboudumc and MUMC+
Classification: Benign. Review status: no assertion criteria provided. Collection method: clinical testing. Allele origin: germline. Affected: yes. Study: VKGL Data-share Consensus. Not counted in ClinVar's aggregate classification.